The following is an entry in ClinVar:

ClinVar aggregate classification (germline): Benign/Likely benign. Review status: criteria provided, multiple submitters, no conflicts (2 of 4 stars). 3 submissions from 3 submitters: Benign (1); Likely benign (2). Last evaluated 2024-07-23.

Conditions:
Hereditary cancer-predisposing syndrome. Also called: Tumor predisposition; Hereditary Cancer Syndrome; Neoplastic Syndromes, Hereditary; Hereditary neoplastic syndrome. Identifiers: Orphanet 140162, MedGen C0027672, MeSH D009386, MONDO:0015356.
Familial cancer of breast. Also called: BREAST CANCER, FAMILIAL; Hereditary breast cancer; hereditary breast carcinoma. Identifiers: Orphanet 227535, MedGen C0346153, MONDO:0016419, OMIM 114480. Disease mechanism: loss of function.

Submissions (3):

Myriad Genetics, Inc.
Classification: Benign for Familial cancer of breast. Last evaluated: 2024-07-23. Review status: criteria provided, single submitter. Criteria: Myriad Autosomal Dominant, Autosomal Recessive and X-Linked Classification Criteria (2023). Collection method: clinical testing. Allele origin: unknown.
Comment: This variant is considered benign. This variant is a silent/synonymous amino acid change and it is not expected to impact splicing.

Labcorp Genetics (formerly Invitae), Labcorp
Classification: Likely benign for Familial cancer of breast. Last evaluated: 2024-06-18. Review status: criteria provided, single submitter. Criteria: Invitae Variant Classification Sherloc (09022015). Collection method: clinical testing. Allele origin: germline.

Ambry Genetics
Classification: Likely benign for Hereditary cancer-predisposing syndrome. Last evaluated: 2018-12-03. Review status: criteria provided, single submitter. Criteria: Ambry Variant Classification Scheme 2023. Collection method: clinical testing. Allele origin: germline.

NM_000465.4(BARD1):c.873T>G (p.Thr291=)

Gene: BARD1 (BRCA1 associated RING domain 1; minus strand). Cytogenetic location: 2q35.
Variant type: single nucleotide variant.
Coding change: c.873T>G on transcript NM_000465.4 (MANE Select); coding-DNA position 873, T replaced by G.
Protein change: p.Thr291=; no amino-acid change (threonine 291 retained).
Molecular consequence: synonymous variant. On other transcripts: non-coding transcript variant (2), intron variant (3).
Genome position (GRCh38, 1-based): chr2:214,781,001, A>C on the plus strand (T>G on the coding strand, the complement: BARD1 is on the minus strand). VCF-style: chr2-214781001-A-C. GRCh37 (hg19) VCF-style: chr2-215645725-A-C.
Other names: c.816T>G, p.Thr272= (NM_001282543.2); c.158+28411T>G (NM_001282548.2); c.215+16060T>G (NM_001282545.2); c.364+11296T>G (NM_001282549.2).
Identifiers: ClinVar variation 822697 (VCV000822697.7), dbSNP rs1574818810, ClinGen allele CA431391808.